The following is an entry in ClinVar:

ClinVar aggregate classification (germline): Uncertain significance (1 of 4 stars; one submission).

Allele frequency attached by ClinVar (database versions not stated): gnomAD 0.00002; gnomAD exomes 0.00003; ExAC 0.00004.
gnomAD v4.1: 40 of 1,613,660 alleles (0.0025%); highest among the groups gnomAD compares: South Asian, 0.042%; no homozygotes.

Submission:

Labcorp Genetics (formerly Invitae), Labcorp
Classification: Uncertain significance. Last evaluated: 2023-04-06. Review status: criteria provided, single submitter. Criteria: Invitae Variant Classification Sherloc (09022015). Collection method: clinical testing. Allele origin: germline.
Comment: This sequence change replaces leucine, which is neutral and non-polar, with phenylalanine, which is neutral and non-polar, at codon 174 of the RFWD3 protein (p.Leu174Phe). This variant is present in population databases (rs777317420, gnomAD 0.03%). This variant has not been reported in the literature in individuals affected with RFWD3-related conditions. An algorithm developed to predict the effect of missense changes on protein structure and function (PolyPhen-2) suggests that this variant is likely to be tolerated. Algorithms developed to predict the effect of sequence changes on RNA splicing suggest that this variant may disrupt the consensus splice site. In summary, the available evidence is currently insufficient to determine the role of this variant in disease. Therefore, it has been classified as a Variant of Uncertain Significance.

NM_018124.4(RFWD3):c.522G>T (p.Leu174Phe)

Gene: RFWD3 (ring finger and WD repeat domain 3; minus strand). Cytogenetic location: 16q23.1.
Variant type: single nucleotide variant.
Coding change: c.522G>T on transcript NM_018124.4 (MANE Select); coding-DNA position 522, G replaced by T.
Protein change: p.Leu174Phe; replaces leucine 174 with phenylalanine.
Molecular consequence: missense variant. On other transcripts: 5 prime UTR variant (4), intron variant (1).
Genome position (GRCh38, 1-based): chr16:74,652,119, C>A on the plus strand (G>T on the coding strand, the complement: RFWD3 is on the minus strand). VCF-style: chr16-74652119-C-A. GRCh37 (hg19) VCF-style: chr16-74686017-C-A.
Other names: c.522G>T, p.Leu174Phe (NM_001370534.1, NM_001370535.1, NM_001370536.1); c.-487G>T (NM_001370537.1); c.-313G>T (NM_001370540.1); c.-364G>T (NM_001370542.1); c.-242G>T (NM_001370543.1); c.-113-2917G>T (NM_001370539.1); short protein forms L174F.
Identifiers: ClinVar variation 2889257 (VCV002889257.3), dbSNP rs777317420, ClinGen allele CA8169531.